The following is an entry in ClinVar:

ClinVar aggregate classification (germline): Conflicting classifications of pathogenicity. Review status: criteria provided, conflicting classifications (1 of 4 stars). 6 submissions from 5 submitters: Uncertain significance (1); Benign (1); Likely benign (2). 2 of the submissions do not count toward it. Last evaluated 2026-04-01.

Conditions:
KAT6A-related disorder. Also called: KAT6A-related condition.
Inborn genetic diseases. Identifiers: MedGen C0950123, MeSH D030342.

Submissions (6):

CeGaT Center for Human Genetics Tuebingen
Classification: Likely benign. Last evaluated: 2026-04-01. Review status: criteria provided, single submitter. Criteria: CeGaT Center For Human Genetics Tuebingen Variant Classification Criteria Version 2. Collection method: clinical testing. Allele origin: germline. Affected: yes. Observed: 7 variant alleles.
Comment: KAT6A: BS1

Labcorp Genetics (formerly Invitae), Labcorp
Classification: Likely benign. Last evaluated: 2026-01-02. Review status: criteria provided, single submitter. Criteria: Invitae Variant Classification Sherloc (09022015). Collection method: clinical testing. Allele origin: germline.

GeneDx
Classification: Benign. Last evaluated: 2020-10-01. Review status: criteria provided, single submitter. Criteria: GeneDx Variant Classification Process June 2021. Collection method: clinical testing. Allele origin: germline. Affected: yes.

Ambry Genetics
Classification: Uncertain significance for Inborn genetic diseases. Last evaluated: 2016-05-24. Review status: criteria provided, single submitter. Criteria: Ambry Variant Classification Scheme 2023. Collection method: clinical testing. Allele origin: germline.
Comment: The c.4968_4982dup15 variant (also known as p.Q1657_p1661dup), located in coding exon 16 of the KAT6A gene, results from an in-frame duplication of 15 nucleotides between nucleotide positions 4968 and 4982. This results in the duplication of 5 extra residues (QQPQP) between codons 1657 and 1661. This variant was not reported in population based cohorts in the following databases: Database of Single Nucleotide Polymorphisms (dbSNP), NHLBI Exome Sequencing Project (ESP), and 1000 Genomes Project. In the ESP, this variant was not observed in 6302 samples (12604 alleles) with coverage at this position. These amino acid positions are not well conserved in available vertebrate species. Since supporting evidence is limited at this time, the clinical significance of this alteration remains unclear.

PreventionGenetics, part of Exact Sciences
Classification: Likely benign for KAT6A-related condition. Last evaluated: 2021-05-11. Review status: no assertion criteria provided. Collection method: clinical testing. Allele origin: germline. Not counted in ClinVar's aggregate classification.
Comment: This variant is classified as likely benign based on ACMG/AMP sequence variant interpretation guidelines (Richards et al. 2015 PMID: 25741868, with internal and published modifications).

Ambry Genetics
Classification: Likely benign for Inborn genetic diseases. Last evaluated: 2021-09-02. Review status: flagged submission. Criteria: Ambry Variant Classification Scheme 2023. Collection method: clinical testing. Allele origin: germline. Not counted in ClinVar's aggregate classification.
ClinVar note: Reason: This record appears to be redundant with a more recent record from the same submitter.
ClinVar note: Notes: SCV003715090 appears to be redundant with SCV000846648.

NM_006766.5(KAT6A):c.4968_4982dup (p.Gln1657_Pro1661dup)

Gene: KAT6A (lysine acetyltransferase 6A; minus strand). Cytogenetic location: 8p11.21.
Variant type: Duplication.
Coding change: c.4968_4982dup on transcript NM_006766.5 (MANE Select); coding-DNA positions 4968 to 4982, 15 bases duplicated (ACAGCAGCCACAGCC).
Protein change: p.Gln1657_Pro1661dup.
Molecular consequence: inframe insertion.
Genome position (GRCh38, 1-based): chr8:41,933,238-41,933,252, GGCTGTGGCTGCTGT duplicated on the plus strand (ACAGCAGCCACAGCC on the coding strand, the reverse complement: KAT6A is on the minus strand); duplicating any 15 consecutive bases within chr8:41,933,238-41,933,254 gives the same sequence; the c. name uses the placement nearest the transcript's 3' end. VCF-style (leftmost placement, unchanged base first): chr8-41933237-C-CGGCTGTGGCTGCTGT. GRCh37 (hg19) VCF-style: chr8-41790755-C-CGGCTGTGGCTGCTGT.
Other names: c.4968_4982dup15 (NM_006766.3, NM_006766.4).
Identifiers: ClinVar variation 587892 (VCV000587892.35), dbSNP rs750049486, ClinGen allele CA4729389.